The following is an entry in ClinVar:

ClinVar aggregate classification (germline): Conflicting classifications of pathogenicity. Review status: criteria provided, conflicting classifications (1 of 4 stars). 2 submissions from 2 submitters: Pathogenic (1); Uncertain significance (1). Last evaluated 2025-12-11.

Conditions:
COG7 congenital disorder of glycosylation (CDG2E). Also called: CONGENITAL DISORDER OF GLYCOSYLATION, TYPE IIe; CDG IIe. Identifiers: Orphanet 79333, MedGen C2931010, MONDO:0012118, OMIM 608779.

Allele frequency attached by ClinVar (database versions not stated): gnomAD 0.00001; TOPMed 0.00001; gnomAD exomes 0.00003.
gnomAD v4.1: 48 of 1,613,154 alleles (0.003%); highest among the groups gnomAD compares: Non-Finnish European, 0.0039%; no homozygotes.

Submissions (2):

Labcorp Genetics (formerly Invitae), Labcorp
Classification: Pathogenic for COG7 congenital disorder of glycosylation. Last evaluated: 2025-12-11. Review status: criteria provided, single submitter. Criteria: Invitae Variant Classification Sherloc (09022015). Collection method: clinical testing. Allele origin: germline.
Comment: This sequence change creates a premature translational stop signal (p.Tyr352*) in the COG7 gene. It is expected to result in an absent or disrupted protein product. Loss-of-function variants in COG7 are known to be pathogenic (PMID: 21811164). This variant is present in population databases (no rsID available, gnomAD 0.01%). This variant has not been reported in the literature in individuals affected with COG7-related conditions. ClinVar contains an entry for this variant (Variation ID: 1981806). For these reasons, this variant has been classified as Pathogenic.

Women's Health and Genetics/Laboratory Corporation of America, LabCorp
Classification: Uncertain significance. Last evaluated: 2025-03-18. Review status: criteria provided, single submitter. Criteria: LabCorp Variant Classification Summary - May 2015. Collection method: clinical testing. Allele origin: germline.
Comment: Variant summary: COG7 c.1056T>G (p.Tyr352X) results in a premature termination codon, predicted to cause a truncation of the encoded protein or absence of the protein due to nonsense mediated decay, however current evidence is not sufficient to establish loss of function as a mechanism for disease. The variant was absent in 251338 control chromosomes. The available data on variant occurrences in the general population are insufficient to allow any conclusion about variant significance. To our knowledge, no occurrence of c.1056T>G in individuals affected with COG7 Congenital Disorder Of Glycosylation and no experimental evidence demonstrating its impact on protein function have been reported. ClinVar contains an entry for this variant (Variation ID: 1981806). Based on the evidence outlined above, the variant was classified as uncertain significance.

Literature cited by the submitters: PubMed 21811164 (cited by Labcorp Genetics (formerly Invitae), Labcorp).

NM_153603.4(COG7):c.1056T>G (p.Tyr352Ter)

Gene: COG7 (component of oligomeric golgi complex 7; minus strand). Cytogenetic location: 16p12.2.
Variant type: single nucleotide variant.
Coding change: c.1056T>G on transcript NM_153603.4 (MANE Select); coding-DNA position 1056, T replaced by G.
Protein change: p.Tyr352Ter; replaces tyrosine 352 with a stop codon.
Molecular consequence: nonsense.
Genome position (GRCh38, 1-based): chr16:23,418,781, A>C on the plus strand (T>G on the coding strand, the complement: COG7 is on the minus strand). VCF-style: chr16-23418781-A-C. GRCh37 (hg19) VCF-style: chr16-23430102-A-C.
Other names: short protein forms Y352*.
Identifiers: ClinVar variation 1981806 (VCV001981806.5), dbSNP rs1351862780, ClinGen allele CA395120492.